The following is an entry in ClinVar:

NM_000292.3(PHKA2):c.3152C>G (p.Ser1051Ter)

Gene: PHKA2 (phosphorylase kinase regulatory subunit alpha 2; minus strand). Cytogenetic location: Xp22.13.
Variant type: single nucleotide variant.
Coding change: c.3152C>G on transcript NM_000292.3 (MANE Select); coding-DNA position 3152, C replaced by G.
Protein change: p.Ser1051Ter; replaces serine 1051 with a stop codon.
Molecular consequence: nonsense.
Genome position (GRCh38, 1-based): chrX:18,897,293, G>C on the plus strand (C>G on the coding strand, the complement: PHKA2 is on the minus strand). VCF-style: chrX-18897293-G-C. GRCh37 (hg19) VCF-style: chrX-18915411-G-C.
Other names: c.3098C>G, p.Ser1033Ter (NM_001440800.1); c.3068C>G, p.Ser1023Ter (NM_001440801.1); c.3053C>G, p.Ser1018Ter (NM_001440802.1); c.2999C>G, p.Ser1000Ter (NM_001440803.1); c.2969C>G, p.Ser990Ter (NM_001440804.1); c.3176C>G, p.Ser1059Ter (NM_001440805.1); short protein forms S1000*, S1018*, S1023*, S1033*, S1051*, S1059*, S990*.
Identifiers: ClinVar variation 4871735 (VCV004871735.1).

ClinVar aggregate classification (germline): Likely pathogenic (1 of 4 stars; one submission).

Conditions:
Glycogen storage disease IXa1. Also called: LIVER GLYCOGENOSIS, X-LINKED, TYPE I; GLYCOGEN STORAGE DISEASE VIII; GSD VIII; Glycogen storage disease 8. Identifiers: Orphanet 264580, MedGen C3694531, MONDO:0010598, OMIM 306000.

Submission:

Laboratorio de Biologia Molecular - Genetica, Hospital de Pediatria Garrahan
Classification: Likely pathogenic for Glycogen storage disease IXa1. Last evaluated: 2026-05-20. Review status: criteria provided, single submitter. Criteria: ACMG Guidelines, 2015. Collection method: clinical testing. Allele origin: germline. Affected: yes. Observed: 1 variant allele.
Comment: This sequence change creates a premature translational stop signal (p.Ser1051Ter) in the PHKA2 gene. It is expected to result in an absent or disrupted protein product, and loss-of-function variants in PHKA2 are known to be pathogenic (PVS1). This variant is not present in population databases (gnomAD no frequency) (PM2_supporting). This variant has not been reported in the literature in individuals affected with PHKA2-related conditions. For these reasons, this variant has been classified as Likely Pathogenic.